The following is an entry in ClinVar:

ClinVar aggregate classification (germline): Uncertain significance (1 of 4 stars; one submission).

Conditions:
Pyogenic arthritis-pyoderma gangrenosum-acne syndrome (PAPA). Also called: PAPA SYNDROME; FAMILIAL RECURRENT ARTHRITIS. Identifiers: Orphanet 69126, MedGen C1858361, MONDO:0011462, OMIM 604416.

Submission:

Labcorp Genetics (formerly Invitae), Labcorp
Classification: Uncertain significance for Pyogenic arthritis-pyoderma gangrenosum-acne syndrome. Last evaluated: 2019-08-26. Review status: criteria provided, single submitter. Criteria: Invitae Variant Classification Sherloc (09022015). Collection method: clinical testing. Allele origin: germline.
Comment: In summary, the available evidence is currently insufficient to determine the role of this variant in disease. Therefore, it has been classified as a Variant of Uncertain Significance. Algorithms developed to predict the effect of missense changes on protein structure and function are either unavailable or do not agree on the potential impact of this missense change (SIFT: "Deleterious"; PolyPhen-2: "Probably Damaging"; Align-GVGD: "Class C0"). This variant has not been reported in the literature in individuals with PSTPIP1-related conditions. This variant is not present in population databases (ExAC no frequency). This sequence change replaces tyrosine with phenylalanine at codon 144 of the PSTPIP1 protein (p.Tyr144Phe). The tyrosine residue is highly conserved and there is a small physicochemical difference between tyrosine and phenylalanine.

NM_003978.5(PSTPIP1):c.431A>T (p.Tyr144Phe)

Gene: PSTPIP1 (proline-serine-threonine phosphatase interacting protein 1; plus strand). Cytogenetic location: 15q24.3.
Variant type: single nucleotide variant.
Coding change: c.431A>T on transcript NM_003978.5 (MANE Select); coding-DNA position 431, A replaced by T.
Protein change: p.Tyr144Phe; replaces tyrosine 144 with phenylalanine.
Molecular consequence: missense variant. On other transcripts: non-coding transcript variant (1).
Genome position (GRCh38, 1-based): chr15:77,028,567, A>T. VCF-style: chr15-77028567-A-T. GRCh37 (hg19) VCF-style: chr15-77320908-A-T.
Other names: c.431A>T, p.Tyr144Phe (NM_001321135.2); c.404A>T, p.Tyr135Phe (NM_001321136.2); c.626A>T, p.Tyr209Phe (NM_001321137.1); short protein forms Y209F, Y135F, Y144F.
Identifiers: ClinVar variation 957541 (VCV000957541.9), dbSNP rs2076340597, ClinGen allele CA393519765.